The following is an entry in ClinVar:

NM_030943.4(AMN):c.1148T>C (p.Leu383Pro)

Gene: AMN (amnion associated transmembrane protein; plus strand). Cytogenetic location: 14q32.32.
Variant type: single nucleotide variant.
Coding change: c.1148T>C on transcript NM_030943.4 (MANE Select); coding-DNA position 1148, T replaced by C.
Protein change: p.Leu383Pro; replaces leucine 383 with proline.
Molecular consequence: missense variant.
Genome position (GRCh38, 1-based): chr14:102,930,306, T>C. VCF-style: chr14-102930306-T-C. GRCh37 (hg19) VCF-style: chr14-103396643-T-C.
Other names: c.986T>C, p.Leu329Pro (NM_001425246.1); short protein forms L329P, L383P.
Identifiers: ClinVar variation 2918629 (VCV002918629.3), dbSNP rs776174468, ClinGen allele CA7360064.
Genomic context (GRCh38, chr14:102,930,306, plus strand): 5'-GCGGCGTGGCGGCTGCCGTGCTGCTGGCGCTGCTGGTCCTGCTGGTGGCGCCGCCGCTGC[T>C]GCGCCGCGCGGGGAGGCTCAGGTACGCGGGGCGGGGGCGCGGAGGTGGGGCTGGGGGTTG-3'
Protein context (NP_112205.2, residues 373-393): LLVLLVAPPL[Leu383Pro]RRAGRLRWRR

ClinVar aggregate classification (germline): Uncertain significance (1 of 4 stars; one submission).

Conditions:
Imerslund-Grasbeck syndrome. Also called: Megaloblastic anemia due to inborn errors of metabolism; PERNICIOUS ANEMIA, JUVENILE, DUE TO SELECTIVE INTESTINAL MALABSORPTION OF VITAMIN B12, WITH PROTEINURIA; Imerslund-Gräsbeck syndrome; ENTEROCYTE COBALAMIN MALABSORPTION; ENTEROCYTE INTRINSIC FACTOR RECEPTOR, DEFECT OF. Identifiers: Orphanet 35858, MedGen C4551825, MONDO:0009853.

gnomAD v4.1: 8 of 1,375,744 alleles (0.00058%); highest among the groups gnomAD compares: South Asian, 0.01%; no homozygotes.

Submission:

Labcorp Genetics (formerly Invitae), Labcorp
Classification: Uncertain significance for Imerslund-Grasbeck syndrome. Last evaluated: 2024-01-21. Review status: criteria provided, single submitter. Criteria: Invitae Variant Classification Sherloc (09022015). Collection method: clinical testing. Allele origin: germline.
Comment: This sequence change replaces leucine, which is neutral and non-polar, with proline, which is neutral and non-polar, at codon 383 of the AMN protein (p.Leu383Pro). This variant is not present in population databases (gnomAD no frequency). This variant has not been reported in the literature in individuals affected with AMN-related conditions. Advanced modeling of protein sequence and biophysical properties (such as structural, functional, and spatial information, amino acid conservation, physicochemical variation, residue mobility, and thermodynamic stability) performed at Invitae indicates that this missense variant is expected to disrupt AMN protein function with a positive predictive value of 80%. In summary, the available evidence is currently insufficient to determine the role of this variant in disease. Therefore, it has been classified as a Variant of Uncertain Significance.